The following is an entry in ClinVar:

NM_002294.3(LAMP2):c.*2766T>A

Gene: LAMP2 (lysosome associated membrane protein 2; minus strand). Cytogenetic location: Xq24.
Variant type: single nucleotide variant.
Coding change: c.*2766T>A on transcript NM_002294.3 (MANE Select); 2766 bases downstream of the stop codon, T replaced by A.
Molecular consequence: 3 prime UTR variant. On other transcripts: missense variant (1).
Genome position (GRCh38, 1-based): chrX:120,428,557, A>T on the plus strand (T>A on the coding strand, the complement: LAMP2 is on the minus strand). VCF-style: chrX-120428557-A-T. GRCh37 (hg19) VCF-style: chrX-119562412-A-T.
Other names: c.1163T>A, p.Phe388Tyr (NM_001122606.1); short protein forms F388Y.
Identifiers: ClinVar variation 5037791 (VCV005037791.1), dbSNP rs1195888609.

ClinVar aggregate classification (germline): Uncertain significance (1 of 4 stars; one submission).

Conditions:
Cardiovascular phenotype. Identifiers: MedGen CN230736.

gnomAD v4.1: 1 of 1,201,612 alleles (0.000083%); highest among the groups gnomAD compares: Non-Finnish European, 0.00011%; no homozygotes.

Submission:

Molecular Diagnostic Laboratory for Inherited Cardiovascular Disease, Montreal Heart Institute
Classification: Uncertain significance for Cardiovascular phenotype. Last evaluated: 2026-09-21. Review status: criteria provided, single submitter. Criteria: ACMG Guidelines, 2015. Collection method: clinical testing. Allele origin: germline. Affected: yes.
Comment: PM2, BP1